The following is an entry in ClinVar:

ClinVar aggregate classification (germline): Uncertain significance (1 of 4 stars; one submission).

Submission:

GeneDx
Classification: Uncertain significance. Last evaluated: 2024-07-09. Review status: criteria provided, single submitter. Criteria: GeneDx Variant Classification Process June 2021. Collection method: clinical testing. Allele origin: germline. Affected: yes.
Comment: Not observed at significant frequency in large population cohorts (gnomAD); In silico analysis supports that this missense variant has a deleterious effect on protein structure/function; Has not been previously published as pathogenic or benign to our knowledge

NM_001127222.2(CACNA1A):c.6538G>C (p.Asp2180His)

Gene: CACNA1A (calcium voltage-gated channel subunit alpha1 A; minus strand). Cytogenetic location: 19p13.13.
Variant type: single nucleotide variant.
Coding change: c.6538G>C on transcript NM_001127222.2 (MANE Select); coding-DNA position 6538, G replaced by C.
Protein change: p.Asp2180His; replaces aspartic acid 2180 with histidine.
Molecular consequence: missense variant.
Genome position (GRCh38, 1-based): chr19:13,208,998, C>G on the plus strand (G>C on the coding strand, the complement: CACNA1A is on the minus strand). VCF-style: chr19-13208998-C-G. GRCh37 (hg19) VCF-style: chr19-13319812-C-G.
Other names: c.6556G>C, p.Asp2186His (NM_000068.4, NM_023035.3); c.6541G>C, p.Asp2181His (NM_001127221.2); c.6547G>C, p.Asp2183His (NM_001174080.2); short protein forms D2181H, D2180H, D2186H, D2183H.
Identifiers: ClinVar variation 3572634 (VCV003572634.1).